The following is an entry in ClinVar:

NM_001013838.3(CARMIL2):c.2777G>T (p.Gly926Val)

Gene: CARMIL2 (capping protein regulator and myosin 1 linker 2; plus strand). Cytogenetic location: 16q22.1.
Variant type: single nucleotide variant.
Coding change: c.2777G>T on transcript NM_001013838.3 (MANE Select); coding-DNA position 2777, G replaced by T.
Protein change: p.Gly926Val; replaces glycine 926 with valine.
Molecular consequence: missense variant.
Genome position (GRCh38, 1-based): chr16:67,652,299, G>T. VCF-style: chr16-67652299-G-T. GRCh37 (hg19) VCF-style: chr16-67686202-G-T.
Other names: c.2669G>T, p.Gly890Val (NM_001317026.3); short protein forms G890V, G926V.
Identifiers: ClinVar variation 2076980 (VCV002076980.3), dbSNP rs1243753457, ClinGen allele CA396342272.
Genomic context (GRCh38, chr16:67,652,299, plus strand): 5'-CTGCCCTACCAGCACCGGATGGAGGTGAGCCCAGCCTCCTTGAGCCTGGGGAATTGGAAG[G>T]TCTTTTCTTCCCCGAGGAGAAGGAAGAGGAGAAGGAGAAGGTAAGTGGTTTTAGAACACG-3'
Protein context (NP_001013860.1, residues 916-936): PSLLEPGELE[Gly926Val]LFFPEEKEEE

ClinVar aggregate classification (germline): Uncertain significance (1 of 4 stars; one submission).

gnomAD v4.1: 2 of 1,613,316 alleles (0.00012%); highest among the groups gnomAD compares: African/African-American, 0.0013%; no homozygotes.

Submission:

Labcorp Genetics (formerly Invitae), Labcorp
Classification: Uncertain significance. Last evaluated: 2025-02-10. Review status: criteria provided, single submitter. Criteria: Invitae Variant Classification Sherloc (09022015). Collection method: clinical testing. Allele origin: germline.
Comment: This sequence change replaces glycine, which is neutral and non-polar, with valine, which is neutral and non-polar, at codon 926 of the CARMIL2 protein (p.Gly926Val). This variant is not present in population databases (gnomAD no frequency). This variant has not been reported in the literature in individuals affected with CARMIL2-related conditions. ClinVar contains an entry for this variant (Variation ID: 2076980). An algorithm developed to predict the effect of missense changes on protein structure and function (PolyPhen-2) suggests that this variant is likely to be tolerated. In summary, the available evidence is currently insufficient to determine the role of this variant in disease. Therefore, it has been classified as a Variant of Uncertain Significance.